The following is an entry in ClinVar:

NM_000169.3(GLA):c.1278del (p.Asp427fs)

Genes: GLA (galactosidase alpha; minus strand), RPL36A-HNRNPH2 (RPL36A-HNRNPH2 readthrough; plus strand). Cytogenetic location: Xq22.1.
Variant type: Deletion.
Coding change: c.1278del on transcript NM_000169.3 (MANE Select); coding-DNA position 1278, one base deleted (A; older notation c.1278delA).
Protein change: p.Asp427fs; shifts the reading frame from aspartic acid 427.
Molecular consequence: frameshift variant. On other transcripts: non-coding transcript variant (3), intron variant (2).
Genome position (GRCh38, 1-based): chrX:101,397,821, T deleted on the plus strand (A on the coding strand, the reverse complement: GLA is on the minus strand); the first of 4 consecutive T bases (chrX:101,397,821-101,397,824); deleting any one gives the same sequence. VCF-style (leftmost placement, unchanged base first): chrX-101397820-CT-C. GRCh37 (hg19) VCF-style: chrX-100652808-CT-C.
Other names: c.1401del, p.Asp468fs (NM_001406747.1); c.300+2367del (NM_001199973.2); c.177+6002del (NM_001199974.2); short protein forms D427fs, D468fs.
Identifiers: ClinVar variation 4087086 (VCV004087086.2).

ClinVar aggregate classification (germline): Likely pathogenic (1 of 4 stars; one submission).

Conditions:
Fabry disease. Also called: ALPHA-GALACTOSIDASE A DEFICIENCY; ANDERSON-FABRY DISEASE; CERAMIDE TRIHEXOSIDASE DEFICIENCY; GLA DEFICIENCY; HEREDITARY DYSTOPIC LIPIDOSIS; Angiokeratoma corporis diffusum. Identifiers: Orphanet 324, MedGen C0002986, MONDO:0010526, OMIM 301500, HP:0001071. Disease mechanism: Fabry disease is due to inactivating mutations in the X-linked GLA gene resulting in deficiency of the enzyme Alpha Galactosidase-A., loss of function.

Submission:

Genomenon, Inc
Classification: Likely pathogenic for Fabry disease. Last evaluated: 2026-09-08. Review status: criteria provided, single submitter. Criteria: Genomenon Sequence Variant Interpretation Standards - Updated. Collection method: curation. Allele origin: germline. Affected: yes.
Comment: GLA p.Asp427ThrfsTer6 (c.1278del) is a frameshift variant that results in the production of an extended protein product. This variant has been observed in at least one proband with clinical features consistent with Fabry disease (PMID:38374995). It is absent or not present at a significant frequency in gnomAD. In conclusion, we classify GLA p.Asp427ThrfsTer6 (c.1278del) as a likely pathogenic variant.

Literature cited by the submitters: PubMed 38374995.